The following is an entry in ClinVar:

ClinVar aggregate classification (germline): Likely benign (0 of 4 stars; one submission).

Conditions:
CFDP1-related disorder. Also called: CFDP1-related condition.

Allele frequency attached by ClinVar (database versions not stated): TOPMed 0.00024; gnomAD 0.00025; ExAC 0.00026; ESP Exome Variant Server 0.00038; gnomAD exomes 0.00050.
gnomAD v4.1: 776 of 1,614,060 alleles (0.048%); highest among the groups gnomAD compares: Non-Finnish European, 0.058%; 1 homozygote.

Submission:

PreventionGenetics, part of Exact Sciences
Classification: Likely benign for CFDP1-related condition. Last evaluated: 2022-09-03. Review status: no assertion criteria provided. Collection method: clinical testing. Allele origin: germline.
Comment: This variant is classified as likely benign based on ACMG/AMP sequence variant interpretation guidelines (Richards et al. 2015 PMID: 25741868, with internal and published modifications).

NM_006324.3(CFDP1):c.726G>A (p.Glu242=)

Gene: CFDP1 (craniofacial development protein 1; minus strand). Cytogenetic location: 16q23.1.
Variant type: single nucleotide variant.
Coding change: c.726G>A on transcript NM_006324.3 (MANE Select); coding-DNA position 726, G replaced by A.
Protein change: p.Glu242=; no amino-acid change (glutamic acid 242 retained).
Molecular consequence: synonymous variant.
Genome position (GRCh38, 1-based): chr16:75,305,107, C>T on the plus strand (G>A on the coding strand, the complement: CFDP1 is on the minus strand). VCF-style: chr16-75305107-C-T. GRCh37 (hg19) VCF-style: chr16-75339005-C-T.
Identifiers: ClinVar variation 3053108 (VCV003053108.2), dbSNP rs149995941, ClinGen allele CA8174740.